The following is an entry in ClinVar:

ClinVar aggregate classification (germline): Conflicting classifications of pathogenicity. Review status: criteria provided, conflicting classifications (1 of 4 stars). 4 submissions from 4 submitters: Uncertain significance (2); Likely benign (1). 1 of the submissions does not count toward it. Last evaluated 2025-01-18.

Conditions:
Alstrom syndrome (ALMS). Identifiers: Orphanet 64, MedGen C0268425, MONDO:0008763, OMIM 203800.
Cardiovascular phenotype. Identifiers: MedGen CN230736.

Allele frequency attached by ClinVar (database versions not stated): ExAC 0.00001; gnomAD 0.00001; gnomAD exomes 0.00001; TOPMed 0.00003.
gnomAD v4.1: 23 of 1,613,914 alleles (0.0014%); highest among the groups gnomAD compares: Admixed American, 0.0033%; no homozygotes.

Submissions (4):

Ambry Genetics
Classification: Likely benign for Cardiovascular phenotype. Last evaluated: 2025-01-18. Review status: criteria provided, single submitter. Criteria: Ambry Variant Classification Scheme 2023. Collection method: clinical testing. Allele origin: germline.

Labcorp Genetics (formerly Invitae), Labcorp
Classification: Uncertain significance for Alstrom syndrome. Last evaluated: 2022-03-17. Review status: criteria provided, single submitter. Criteria: Invitae Variant Classification Sherloc (09022015). Collection method: clinical testing. Allele origin: germline.
Comment: This sequence change replaces valine, which is neutral and non-polar, with leucine, which is neutral and non-polar, at codon 1924 of the ALMS1 protein (p.Val1924Leu). This variant is present in population databases (rs772665115, gnomAD 0.003%). This variant has not been reported in the literature in individuals affected with ALMS1-related conditions. ClinVar contains an entry for this variant (Variation ID: 429689). Algorithms developed to predict the effect of missense changes on protein structure and function output the following: SIFT: "Not Available"; PolyPhen-2: "Not Available"; Align-GVGD: "Not Available". The leucine amino acid residue is found in multiple mammalian species, which suggests that this missense change does not adversely affect protein function. In summary, the available evidence is currently insufficient to determine the role of this variant in disease. Therefore, it has been classified as a Variant of Uncertain Significance.

GeneDx
Classification: Uncertain significance. Last evaluated: 2017-05-15. Review status: criteria provided, single submitter. Criteria: GeneDx Variant Classification (06012015). Collection method: clinical testing. Allele origin: germline. Affected: yes.
Comment: A variant of uncertain significance has been identified in the ALMS1 gene. The V1924L variant has not been published as pathogenic or been reported as benign to our knowledge. This variant is not observed at a significant frequency in large population cohorts (Lek et al., 2016; 1000 Genomes Consortium et al., 2015; Exome Variant Server). Nevertheless, the V1924L variant is a conservative amino acid substitution, which is not likely to impact secondary protein structure as these residues share similar properties. Additionally, this substitution occurs at a position that is not conserved. Furthermore, in silico analysis predicts this variant likely does not alter the protein structure/function.

Natera, Inc.
Classification: Uncertain significance for Alstrom syndrome. Last evaluated: 2019-10-28. Review status: no assertion criteria provided. Collection method: clinical testing. Allele origin: germline. Not counted in ClinVar's aggregate classification.

NM_001378454.1(ALMS1):c.5767G>C (p.Val1923Leu)

Gene: ALMS1 (ALMS1 centrosome and basal body associated protein; plus strand). Cytogenetic location: 2p13.1.
Variant type: single nucleotide variant.
Coding change: c.5767G>C on transcript NM_001378454.1 (MANE Select); coding-DNA position 5767, G replaced by C.
Protein change: p.Val1923Leu; replaces valine 1923 with leucine.
Molecular consequence: missense variant.
Genome position (GRCh38, 1-based): chr2:73,452,294, G>C. VCF-style: chr2-73452294-G-C. GRCh37 (hg19) VCF-style: chr2-73679421-G-C.
Other names: c.5770G>C, p.Val1924Leu (NM_015120.4); short protein forms V1924L, V1923L.
Identifiers: ClinVar variation 429689 (VCV000429689.7), dbSNP rs772665115, ClinGen allele CA1713934.